The following is an entry in ClinVar:

NM_020812.4(DOCK6):c.4491C>T (p.His1497=)

Genes: DOCK6 (dedicator of cytokinesis 6; minus strand), DOCK6-AS1 (DOCK6 antisense RNA 1; plus strand). Cytogenetic location: 19p13.2.
Variant type: single nucleotide variant.
Coding change: c.4491C>T on transcript NM_020812.4 (MANE Select); coding-DNA position 4491, C replaced by T.
Protein change: p.His1497=; no amino-acid change (histidine 1497 retained).
Molecular consequence: synonymous variant.
Genome position (GRCh38, 1-based): chr19:11,213,176, G>A on the plus strand (C>T on the coding strand, the complement: DOCK6 is on the minus strand). VCF-style: chr19-11213176-G-A. GRCh37 (hg19) VCF-style: chr19-11323852-G-A.
Other names: c.4596C>T, p.His1532= (NM_001367830.1).
Identifiers: ClinVar variation 1991376 (VCV001991376.4), dbSNP rs760839306, ClinGen allele CA9206841.

ClinVar aggregate classification (germline): Uncertain significance (1 of 4 stars; one submission).

Allele frequency attached by ClinVar (database versions not stated): TOPMed 0.00002; gnomAD exomes 0.00003; ExAC 0.00006; gnomAD 0.00008.
gnomAD v4.1: 51 of 1,611,170 alleles (0.0032%); highest among the groups gnomAD compares: South Asian, 0.043%; 1 homozygote.

Submission:

Labcorp Genetics (formerly Invitae), Labcorp
Classification: Uncertain significance. Last evaluated: 2022-05-12. Review status: criteria provided, single submitter. Criteria: Invitae Variant Classification Sherloc (09022015). Collection method: clinical testing. Allele origin: germline.
Comment: Algorithms developed to predict the effect of sequence changes on RNA splicing suggest that this variant is not likely to affect RNA splicing. This variant has not been reported in the literature in individuals affected with DOCK6-related conditions. This variant is present in population databases (rs760839306, gnomAD 0.04%), including at least one homozygous and/or hemizygous individual. This sequence change affects codon 1497 of the DOCK6 mRNA. It is a 'silent' change, meaning that it does not change the encoded amino acid sequence of the DOCK6 protein. It affects a nucleotide within the consensus splice site. In summary, the available evidence is currently insufficient to determine the role of this variant in disease. Therefore, it has been classified as a Variant of Uncertain Significance.